The following is an entry in ClinVar:

NM_001943.5(DSG2):c.601G>T (p.Val201Leu)

Gene: DSG2 (desmoglein 2; plus strand). Cytogenetic location: 18q12.1.
Variant type: single nucleotide variant.
Coding change: c.601G>T on transcript NM_001943.5 (MANE Select); coding-DNA position 601, G replaced by T.
Protein change: p.Val201Leu; replaces valine 201 with leucine.
Molecular consequence: missense variant.
Genome position (GRCh38, 1-based): chr18:31,522,160, G>T. VCF-style: chr18-31522160-G-T. GRCh37 (hg19) VCF-style: chr18-29102123-G-T.
Other names: short protein forms V201L.
Identifiers: ClinVar variation 1699855 (VCV001699855.3), dbSNP rs184100321, ClinGen allele CA402133666.

ClinVar aggregate classification (germline): Uncertain significance. Review status: criteria provided, multiple submitters, no conflicts (2 of 4 stars). 2 submissions from 2 submitters: Uncertain significance (2). Last evaluated 2025-02-02.

Conditions:
Arrhythmogenic right ventricular dysplasia 10. Also called: ARRHYTHMOGENIC RIGHT VENTRICULAR DYSPLASIA, FAMILIAL, 10; Arrhythmogenic Right Ventricular Dysplasia/Cardiomyopathy10; Arrhythmogenic right ventricular dysplasia/cardiomyopathy, type 10. Identifiers: MedGen C1857777, MONDO:0012434, OMIM 610193.

gnomAD v4.1: 2 of 1,613,708 alleles (0.00012%); highest among the groups gnomAD compares: Non-Finnish European, 0.00017%; no homozygotes.

Submissions (2):

Labcorp Genetics (formerly Invitae), Labcorp
Classification: Uncertain significance for Arrhythmogenic right ventricular dysplasia 10. Last evaluated: 2025-02-02. Review status: criteria provided, single submitter. Criteria: Invitae Variant Classification Sherloc (09022015). Collection method: clinical testing. Allele origin: germline.
Comment: This sequence change replaces valine, which is neutral and non-polar, with leucine, which is neutral and non-polar, at codon 201 of the DSG2 protein (p.Val201Leu). This variant is present in population databases (no rsID available, gnomAD 0.0009%). This variant has not been reported in the literature in individuals affected with DSG2-related conditions. ClinVar contains an entry for this variant (Variation ID: 1699855). Invitae Evidence Modeling of protein sequence and biophysical properties (such as structural, functional, and spatial information, amino acid conservation, physicochemical variation, residue mobility, and thermodynamic stability) indicates that this missense variant is not expected to disrupt DSG2 protein function with a negative predictive value of 95%. In summary, the available evidence is currently insufficient to determine the role of this variant in disease. Therefore, it has been classified as a Variant of Uncertain Significance.

GeneDx
Classification: Uncertain significance. Last evaluated: 2022-01-27. Review status: criteria provided, single submitter. Criteria: GeneDx Variant Classification Process June 2021. Collection method: clinical testing. Allele origin: germline. Affected: yes.
Comment: Not observed at significant frequency in large population cohorts (gnomAD); In silico analysis supports that this missense variant does not alter protein structure/function; Has not been previously published as pathogenic or benign to our knowledge